The following is an entry in ClinVar:

ClinVar aggregate classification (germline): Uncertain significance (1 of 4 stars; one submission).

Conditions:
DEPDC5-related disorder. Also called: DEPDC5-related condition; DEPDC5-related related disorder.

gnomAD v4.1: 3 of 1,614,146 alleles (0.00019%); highest among the groups gnomAD compares: Non-Finnish European, 0.00025%; no homozygotes.

Submission:

PreventionGenetics, part of Exact Sciences
Classification: Uncertain significance for DEPDC5-related condition. Last evaluated: 2025-03-17. Review status: criteria provided, single submitter. Criteria: ACMG Guidelines, 2015. Collection method: clinical testing. Allele origin: germline.
Comment: The DEPDC5 c.2603A>C variant is predicted to result in the amino acid substitution p.Lys868Thr. To our knowledge, this variant has not been reported in the literature. This variant is reported in 0.00088% of alleles in individuals of European (Non-Finnish) descent in gnomAD. At this time, the clinical significance of this variant is uncertain due to the absence of conclusive functional and genetic evidence.

NM_001242896.3(DEPDC5):c.2603A>C (p.Lys868Thr)

Gene: DEPDC5 (DEP domain containing 5, GATOR1 subcomplex subunit; plus strand). Cytogenetic location: 22q12.3.
Variant type: single nucleotide variant.
Coding change: c.2603A>C on transcript NM_001242896.3 (MANE Select); coding-DNA position 2603, A replaced by C.
Protein change: p.Lys868Thr; replaces lysine 868 with threonine.
Molecular consequence: missense variant. On other transcripts: non-coding transcript variant (5).
Genome position (GRCh38, 1-based): chr22:31,843,182, A>C. VCF-style: chr22-31843182-A-C. GRCh37 (hg19) VCF-style: chr22-32239168-A-C.
Other names: c.2576A>C, p.Lys859Thr (NM_001136029.4, NM_001369903.1, NM_014662.6); c.2369A>C, p.Lys790Thr (NM_001242897.2, NM_001363854.2, NM_001364319.2); c.2603A>C, p.Lys868Thr (NM_001363852.2, NM_001364318.2, NM_001364320.2); c.2519A>C, p.Lys840Thr (NM_001369901.1, NM_001369902.1); short protein forms K868T, K840T, K790T, K859T.
Identifiers: ClinVar variation 4983663 (VCV004983663.1).
Genomic context (GRCh38, chr22:31,843,182, plus strand): 5'-AGGAGGACCAGTATTGGCTGAGTATGGGCAGAACGTTCCACAAAGTGACGCTGAAGGATA[A>C]GATGATCACAGTGACGCGATACCTTCCCAAGTGAGTATTTGGATATTTAAAGTCTTCAGT-3'
Protein context (NP_001229825.1, residues 858-878): RTFHKVTLKD[Lys868Thr]MITVTRYLPK